The following is an entry in ClinVar:

ClinVar aggregate classification (germline): Uncertain significance (1 of 4 stars; one submission).

Submission:

Ambry Genetics
Classification: Uncertain significance. Last evaluated: 2024-02-29. Review status: criteria provided, single submitter. Criteria: Ambry Variant Classification Scheme 2023. Collection method: clinical testing. Allele origin: germline.
Comment: The p.N701Y variant (also known as c.2101A>T), located in coding exon 4 of the ALPK2 gene, results from an A to T substitution at nucleotide position 2101. The asparagine at codon 701 is replaced by tyrosine, an amino acid with dissimilar properties. This amino acid position is conserved. In addition, this alteration is predicted to be tolerated by in silico analysis. Based on the available evidence, the clinical significance of this alteration remains unclear.

NM_052947.4(ALPK2):c.2101A>T (p.Asn701Tyr)

Gene: ALPK2 (alpha kinase 2; minus strand). Cytogenetic location: 18q21.31.
Variant type: single nucleotide variant.
Coding change: c.2101A>T on transcript NM_052947.4 (MANE Select); coding-DNA position 2101, A replaced by T.
Protein change: p.Asn701Tyr; replaces asparagine 701 with tyrosine.
Molecular consequence: missense variant.
Genome position (GRCh38, 1-based): chr18:58,538,086, T>A on the plus strand (A>T on the coding strand, the complement: ALPK2 is on the minus strand). VCF-style: chr18-58538086-T-A. GRCh37 (hg19) VCF-style: chr18-56205318-T-A.
Other names: short protein forms N701Y.
Identifiers: ClinVar variation 3228611 (VCV003228611.1), dbSNP rs2518878108, ClinGen allele CA402571703.